The following is an entry in ClinVar:

NM_001375567.1(FOCAD):c.4363A>C (p.Ile1455Leu)

Gene: FOCAD (focadhesin; plus strand). Cytogenetic location: 9p21.3.
Variant type: single nucleotide variant.
Coding change: c.4363A>C on transcript NM_001375567.1 (MANE Select); coding-DNA position 4363, A replaced by C.
Protein change: p.Ile1455Leu; replaces isoleucine 1455 with leucine.
Molecular consequence: missense variant.
Genome position (GRCh38, 1-based): chr9:20,978,440, A>C. VCF-style: chr9-20978440-A-C. GRCh37 (hg19) VCF-style: chr9-20978439-A-C.
Other names: c.4363A>C (NM_017794.3); c.4258A>C, p.Ile1420Leu (NM_001375568.1, NM_001375570.1); c.4363A>C, p.Ile1455Leu (NM_017794.5); short protein forms I1420L, I1455L.
Identifiers: ClinVar variation 3664972 (VCV003664972.3).

ClinVar aggregate classification (germline): Uncertain significance. Review status: criteria provided, multiple submitters, no conflicts (2 of 4 stars). 2 submissions from 2 submitters: Uncertain significance (2). Last evaluated 2025-11-05.

Conditions:
Inborn genetic diseases. Identifiers: MedGen C0950123, MeSH D030342.

gnomAD v4.1: 86 of 1,608,920 alleles (0.0053%); highest among the groups gnomAD compares: African/African-American, 0.1%; no homozygotes.

Submissions (2):

Labcorp Genetics (formerly Invitae), Labcorp
Classification: Uncertain significance. Last evaluated: 2025-11-05. Review status: criteria provided, single submitter. Criteria: Invitae Variant Classification Sherloc (09022015). Collection method: clinical testing. Allele origin: germline.
Comment: This sequence change replaces isoleucine, which is neutral and non-polar, with leucine, which is neutral and non-polar, at codon 1455 of the FOCAD protein (p.Ile1455Leu). This variant is present in population databases (rs149031092, gnomAD 0.1%), and has an allele count higher than expected for a pathogenic variant. This variant has not been reported in the literature in individuals affected with FOCAD-related conditions. ClinVar contains an entry for this variant (Variation ID: 3664972). Experimental studies and prediction algorithms are not available or were not evaluated, and the functional significance of this variant is currently unknown. In summary, the available evidence is currently insufficient to determine the role of this variant in disease. Therefore, it has been classified as a Variant of Uncertain Significance.

Ambry Genetics
Classification: Uncertain significance for Inborn genetic diseases. Last evaluated: 2024-12-31. Review status: criteria provided, single submitter. Criteria: Ambry Variant Classification Scheme 2023. Collection method: clinical testing. Allele origin: germline.